The following is an entry in ClinVar:

ClinVar aggregate classification (germline): Uncertain significance (1 of 4 stars; one submission).

Allele frequency attached by ClinVar (database versions not stated): gnomAD exomes below 0.00001.
gnomAD v4.1: 1 of 1,612,760 alleles (0.000062%); highest among the groups gnomAD compares: Non-Finnish European, 0.000085%; no homozygotes.

Submission:

Ambry Genetics
Classification: Uncertain significance. Last evaluated: 2025-10-26. Review status: criteria provided, single submitter. Criteria: Ambry Variant Classification Scheme 2023. Collection method: clinical testing. Allele origin: germline.
Comment: The p.Q96R variant (also known as c.287A>G), located in coding exon 3 of the RECQL gene, results from an A to G substitution at nucleotide position 287. The glutamine at codon 96 is replaced by arginine, an amino acid with highly similar properties. This amino acid position is highly conserved in available vertebrate species. In addition, this alteration is predicted to be deleterious by in silico analysis. Since supporting evidence is limited at this time, the clinical significance of this alteration remains unclear.

NM_002907.4(RECQL):c.287A>G (p.Gln96Arg)

Gene: RECQL (RecQ like helicase; minus strand). Cytogenetic location: 12p12.1.
Variant type: single nucleotide variant.
Coding change: c.287A>G on transcript NM_002907.4 (MANE Select); coding-DNA position 287, A replaced by G.
Protein change: p.Gln96Arg; replaces glutamine 96 with arginine.
Molecular consequence: missense variant.
Genome position (GRCh38, 1-based): chr12:21,490,306, T>C on the plus strand (A>G on the coding strand, the complement: RECQL is on the minus strand). VCF-style: chr12-21490306-T-C. GRCh37 (hg19) VCF-style: chr12-21643240-T-C.
Other names: c.287A>G, p.Gln96Arg (NM_032941.3); short protein forms Q96R.
Identifiers: ClinVar variation 1797147 (VCV001797147.3), dbSNP rs2540400083, ClinGen allele CA384133103.